The following is an entry in ClinVar:

NM_003105.6(SORL1):c.3242A>G (p.Asn1081Ser)

Genes: SORL1 (sortilin related receptor 1; plus strand), LOC130006953 (ATAC-STARR-seq lymphoblastoid active region 5661; plus strand). Cytogenetic location: 11q24.1.
Variant type: single nucleotide variant.
Coding change: c.3242A>G on transcript NM_003105.6 (MANE Select); coding-DNA position 3242, A replaced by G.
Protein change: p.Asn1081Ser; replaces asparagine 1081 with serine.
Molecular consequence: missense variant.
Genome position (GRCh38, 1-based): chr11:121,570,175, A>G. VCF-style: chr11-121570175-A-G. GRCh37 (hg19) VCF-style: chr11-121440884-A-G.
Other names: short protein forms N1081S.
Identifiers: ClinVar variation 1384885 (VCV001384885.6), dbSNP rs1201691663, ClinGen allele CA383038507.

ClinVar aggregate classification (germline): Uncertain significance (1 of 4 stars; one submission).

Allele frequency attached by ClinVar (database versions not stated): gnomAD 0.00001; gnomAD exomes 0.00001; TOPMed 0.00002.
gnomAD v4.1: 11 of 1,613,730 alleles (0.00068%); highest among the groups gnomAD compares: Non-Finnish European, 0.00093%; no homozygotes.

Submission:

Labcorp Genetics (formerly Invitae), Labcorp
Classification: Uncertain significance. Last evaluated: 2023-04-15. Review status: criteria provided, single submitter. Criteria: Invitae Variant Classification Sherloc (09022015). Collection method: clinical testing. Allele origin: germline.
Comment: ClinVar contains an entry for this variant (Variation ID: 1384885). This sequence change replaces asparagine, which is neutral and polar, with serine, which is neutral and polar, at codon 1081 of the SORL1 protein (p.Asn1081Ser). This variant is present in population databases (no rsID available, gnomAD 0.007%). This variant has not been reported in the literature in individuals affected with SORL1-related conditions. Algorithms developed to predict the effect of missense changes on protein structure and function output the following: SIFT: "Not Available"; PolyPhen-2: "Benign"; Align-GVGD: "Not Available". The serine amino acid residue is found in multiple mammalian species, which suggests that this missense change does not adversely affect protein function. In summary, the available evidence is currently insufficient to determine the role of this variant in disease. Therefore, it has been classified as a Variant of Uncertain Significance.